The following is an entry in ClinVar:

NM_001267550.2(TTN):c.24636A>G (p.Ser8212=)

Gene: TTN (titin; minus strand). Cytogenetic location: 2q31.2.
Variant type: single nucleotide variant.
Coding change: c.24636A>G on transcript NM_001267550.2 (MANE Select); coding-DNA position 24636, A replaced by G.
Protein change: p.Ser8212=; no amino-acid change (serine 8212 retained).
Molecular consequence: synonymous variant. On other transcripts: intron variant (3).
Genome position (GRCh38, 1-based): chr2:178,718,470, T>C on the plus strand (A>G on the coding strand, the complement: TTN is on the minus strand). VCF-style: chr2-178718470-T-C. GRCh37 (hg19) VCF-style: chr2-179583197-T-C.
Other names: c.23685A>G, p.Ser7895= (NM_001256850.1); c.20904A>G, p.Ser6968= (NM_133378.4); c.13282+19612A>G (NM_003319.4); c.13858+19612A>G (NM_133437.4); c.13657+19612A>G (NM_133432.3).
Identifiers: ClinVar variation 513009 (VCV000513009.9), dbSNP rs1553903322, ClinGen allele CA430286369.

ClinVar aggregate classification (germline): Likely benign. Review status: criteria provided, multiple submitters, no conflicts (2 of 4 stars). 2 submissions from 2 submitters: Likely benign (2). Last evaluated 2026-01-01.

Conditions:
Autosomal recessive limb-girdle muscular dystrophy type 2J (LGMDR10). Also called: MUSCULAR DYSTROPHY, LIMB-GIRDLE, AUTOSOMAL RECESSIVE 10; Limb-girdle muscular dystrophy, type 2J. Identifiers: Orphanet 140922, MedGen C1837342, MONDO:0012127, OMIM 608807.
Dilated cardiomyopathy 1G (CMD1G). Identifiers: Orphanet 154, MedGen C1858763, MONDO:0011400, OMIM 604145.

Allele frequency attached by ClinVar (database versions not stated): gnomAD exomes below 0.00001.
gnomAD v4.1: 2 of 1,613,736 alleles (0.00012%); highest among the groups gnomAD compares: Non-Finnish European, 0.00017%; no homozygotes.

Submissions (2):

Labcorp Genetics (formerly Invitae), Labcorp
Classification: Likely benign for Dilated cardiomyopathy 1G; Autosomal recessive limb-girdle muscular dystrophy type 2J. Last evaluated: 2026-01-01. Review status: criteria provided, single submitter. Criteria: Invitae Variant Classification Sherloc (09022015). Collection method: clinical testing. Allele origin: germline.

GeneDx
Classification: Likely benign. Last evaluated: 2017-10-26. Review status: criteria provided, single submitter. Criteria: GeneDx Variant Classification (06012015). Collection method: clinical testing. Allele origin: germline. Affected: yes.
Comment: This variant is considered likely benign or benign based on one or more of the following criteria: it is a conservative change, it occurs at a poorly conserved position in the protein, it is predicted to be benign by multiple in silico algorithms, and/or has population frequency not consistent with disease.